The following is an entry in ClinVar:

ClinVar aggregate classification (germline): Likely benign (0 of 4 stars; one submission).

Conditions:
FGFRL1-related disorder. Also called: FGFRL1-related condition.

gnomAD v4.1: 27 of 1,610,322 alleles (0.0017%); highest among the groups gnomAD compares: Non-Finnish European, 0.0021%; no homozygotes.

Submission:

PreventionGenetics, part of Exact Sciences
Classification: Likely benign for FGFRL1-related condition. Last evaluated: 2019-06-28. Review status: no assertion criteria provided. Collection method: clinical testing. Allele origin: germline.
Comment: This variant is classified as likely benign based on ACMG/AMP sequence variant interpretation guidelines (Richards et al. 2015 PMID: 25741868, with internal and published modifications).

NM_001004356.3(FGFRL1):c.1335G>A (p.Gly445=)

Gene: FGFRL1 (fibroblast growth factor receptor like 1; plus strand). Cytogenetic location: 4p16.3.
Variant type: single nucleotide variant.
Coding change: c.1335G>A on transcript NM_001004356.3 (MANE Select); coding-DNA position 1335, G replaced by A.
Protein change: p.Gly445=; no amino-acid change (glycine 445 retained).
Molecular consequence: synonymous variant.
Genome position (GRCh38, 1-based): chr4:1,025,167, G>A. VCF-style: chr4-1025167-G-A. GRCh37 (hg19) VCF-style: chr4-1018955-G-A.
Other names: c.1335G>A, p.Gly445= (NM_001004358.1, NM_001370296.1, NM_021923.3).
Identifiers: ClinVar variation 3351869 (VCV003351869.1).